The following is an entry in ClinVar:

NM_152441.3(FBXL14):c.761G>A (p.Ser254Asn)

Gene: FBXL14 (F-box and leucine rich repeat protein 14; minus strand). Cytogenetic location: 12p13.33.
Variant type: single nucleotide variant.
Coding change: c.761G>A on transcript NM_152441.3 (MANE Select); coding-DNA position 761, G replaced by A.
Protein change: p.Ser254Asn; replaces serine 254 with asparagine.
Molecular consequence: missense variant. On other transcripts: non-coding transcript variant (1).
Genome position (GRCh38, 1-based): chr12:1,593,306, C>T on the plus strand (G>A on the coding strand, the complement: FBXL14 is on the minus strand). VCF-style: chr12-1593306-C-T. GRCh37 (hg19) VCF-style: chr12-1702472-C-T.
Other names: c.761G>A, p.Ser254Asn (NM_001405291.1, NM_001405292.1, NM_001405293.1); short protein forms S254N.
Identifiers: ClinVar variation 4840042 (VCV004840042.1).

ClinVar aggregate classification (germline): Uncertain significance (1 of 4 stars; one submission).

gnomAD v4.1: 1 of 1,613,376 alleles (0.000062%); highest among the groups gnomAD compares: Non-Finnish European, 0.000085%; no homozygotes.

Submission:

Ambry Genetics
Classification: Uncertain significance. Last evaluated: 2026-02-17. Review status: criteria provided, single submitter. Criteria: Ambry Variant Classification Scheme 2023. Collection method: clinical testing. Allele origin: germline.
Comment: The c.761G>A (p.S254N) alteration is located in exon 1 (coding exon 1) of the FBXL14 gene. This alteration results from a G to A substitution at nucleotide position 761, causing the serine (S) at amino acid position 254 to be replaced by an asparagine (N). Based on data from gnomAD, the A allele has an overall frequency of <0.001% (1/250484) total alleles studied. The highest observed frequency was 0.001% (1/113496) of European (non-Finnish) alleles. Based on insufficient or conflicting evidence, the clinical significance of this alteration remains unclear.